The following is an entry in ClinVar:

ClinVar aggregate classification (germline): Uncertain significance. Review status: criteria provided, single submitter (1 of 4 stars). 2 submissions from 2 submitters: Uncertain significance (1). 1 of the submissions does not count toward it.

Conditions:
Diabetes mellitus, transient neonatal, 3 (TNDM3). Identifiers: Orphanet 99886, MedGen C1864623, MONDO:0012522, OMIM 610582. Disease mechanism: loss of function.
Hyperinsulinemic hypoglycemia, familial, 2. Also called: HYPERINSULINEMIC HYPOGLYCEMIA, PERSISTENT; HYPERINSULINISM, NEONATAL. Identifiers: Orphanet 276580, Orphanet 276603, MedGen C2931833, MONDO:0011153, OMIM 601820. Disease mechanism: loss of function.
Permanent neonatal diabetes mellitus 1. Also called: GCK-Related Permanent Neonatal Diabetes Mellitus. Identifiers: MedGen C5393570, MONDO:0100165, OMIM 606176.
Maturity-onset diabetes of the young (MODY). Also called: Maturity onset diabetes mellitus in young. Identifiers: Orphanet 552, MedGen C0342276, MONDO:0018911, HP:0004904.

Submissions (2):

Clinical Genomics, Uppaluri K&H Personalized Medicine Clinic
Classification: Uncertain significance for Maturity-onset diabetes of the young. Review status: criteria provided, single submitter. Criteria: K&H Uppaluri Personalized Medicine Clinic Variant Classification & Assertion Criteria. Collection method: research. Allele origin: somatic. Inheritance: Autosomal dominant inheritance.
Comment: Mutations in KCNJ11 gene can cause decreased production and secretion of insulin. This can lead to MODY which may be responsive to oral sulfonylureas. It is also associated with with Neonatal Diabetes. However, no sufficient evidence is found to ascertain the role of rs1554901679 variant in MODY yet.

Counsyl
Classification: Uncertain significance for Hyperinsulinemic hypoglycemia, familial, 2; Permanent neonatal diabetes mellitus 1; Diabetes mellitus, transient neonatal, 3. Last evaluated: 2018-04-06. Review status: no assertion criteria provided. Collection method: clinical testing. Allele origin: unknown. Not counted in ClinVar's aggregate classification.

Literature cited by the submitters: PubMed 26448950 (cited by Clinical Genomics, Uppaluri K&H Personalized Medicine Clinic); PubMed 15580558 (cited by Clinical Genomics, Uppaluri K&H Personalized Medicine Clinic); PubMed 15718250 (cited by Clinical Genomics, Uppaluri K&H Personalized Medicine Clinic); PubMed 22701567 (cited by Clinical Genomics, Uppaluri K&H Personalized Medicine Clinic); PubMed 32935446 (cited by Clinical Genomics, Uppaluri K&H Personalized Medicine Clinic); PubMed 14692646 (cited by Counsyl); PubMed 23275527 (cited by Counsyl); PubMed 20642364 (cited by Counsyl).

NM_000525.4(KCNJ11):c.797C>T (p.Pro266Leu)

Gene: KCNJ11 (potassium inwardly rectifying channel subfamily J member 11; minus strand). Cytogenetic location: 11p15.1.
Variant type: single nucleotide variant.
Coding change: c.797C>T on transcript NM_000525.4 (MANE Select); coding-DNA position 797, C replaced by T.
Protein change: p.Pro266Leu; replaces proline 266 with leucine.
Molecular consequence: missense variant.
Genome position (GRCh38, 1-based): chr11:17,387,295, G>A on the plus strand (C>T on the coding strand, the complement: KCNJ11 is on the minus strand). VCF-style: chr11-17387295-G-A. GRCh37 (hg19) VCF-style: chr11-17408842-G-A.
Other names: c.536C>T, p.Pro179Leu (NM_001166290.2, NM_001377296.1, NM_001377297.1); short protein forms P266L, P179L.
Identifiers: ClinVar variation 557803 (VCV000557803.3), dbSNP rs1554901679, ClinGen allele CA379770647.